The following is an entry in ClinVar:

NM_002878.4(RAD51D):c.604G>A (p.Val202Met)

Genes: RAD51L3-RFFL (RAD51L3-RFFL readthrough; minus strand), RAD51D (RAD51 paralog D; minus strand). Cytogenetic location: 17q12.
Variant type: single nucleotide variant.
Coding change: c.604G>A on transcript NM_002878.4 (MANE Select); coding-DNA position 604, G replaced by A.
Protein change: p.Val202Met; replaces valine 202 with methionine.
Molecular consequence: missense variant. On other transcripts: non-coding transcript variant (3).
Genome position (GRCh38, 1-based): chr17:35,103,517, C>T on the plus strand (G>A on the coding strand, the complement: RAD51D is on the minus strand). VCF-style: chr17-35103517-C-T. GRCh37 (hg19) VCF-style: chr17-33430536-C-T.
Other names: c.664G>A, p.Val222Met (NM_001142571.2); c.268G>A, p.Val90Met (NM_133629.3); short protein forms V202M, V222M, V90M.
Identifiers: ClinVar variation 572704 (VCV000572704.8), dbSNP rs1567726587, ClinGen allele CA399087946.

ClinVar aggregate classification (germline): Uncertain significance. Review status: criteria provided, multiple submitters, no conflicts (2 of 4 stars). 2 submissions from 2 submitters: Uncertain significance (2). Last evaluated 2026-01-27.

Conditions:
Hereditary cancer-predisposing syndrome. Also called: Neoplastic Syndromes, Hereditary; Hereditary Cancer Syndrome; Tumor predisposition; Hereditary neoplastic syndrome. Identifiers: Orphanet 140162, MedGen C0027672, MeSH D009386, MONDO:0015356.
Breast-ovarian cancer, familial, susceptibility to, 4. Identifiers: Orphanet 145, MedGen C3280345, MONDO:0013669, OMIM 614291.

Submissions (2):

Labcorp Genetics (formerly Invitae), Labcorp
Classification: Uncertain significance for Breast-ovarian cancer, familial, susceptibility to, 4. Last evaluated: 2026-01-27. Review status: criteria provided, single submitter. Criteria: Invitae Variant Classification Sherloc (09022015). Collection method: clinical testing. Allele origin: germline.
Comment: This sequence change replaces valine, which is neutral and non-polar, with methionine, which is neutral and non-polar, at codon 202 of the RAD51D protein (p.Val202Met). This variant is not present in population databases (gnomAD no frequency). This variant has not been reported in the literature in individuals affected with RAD51D-related conditions. ClinVar contains an entry for this variant (Variation ID: 572704). Invitae Evidence Modeling of protein sequence and biophysical properties (such as structural, functional, and spatial information, amino acid conservation, physicochemical variation, residue mobility, and thermodynamic stability) indicates that this missense variant is not expected to disrupt RAD51D protein function with a negative predictive value of 80%. In summary, the available evidence is currently insufficient to determine the role of this variant in disease. Therefore, it has been classified as a Variant of Uncertain Significance.

Ambry Genetics
Classification: Uncertain significance for Hereditary cancer-predisposing syndrome. Last evaluated: 2024-03-12. Review status: criteria provided, single submitter. Criteria: Ambry Variant Classification Scheme 2023. Collection method: clinical testing. Allele origin: germline.
Comment: The p.V202M variant (also known as c.604G>A), located in coding exon 7 of the RAD51D gene, results from a G to A substitution at nucleotide position 604. The valine at codon 202 is replaced by methionine, an amino acid with highly similar properties. This amino acid position is conserved. In addition, the in silico prediction for this alteration is inconclusive. Since supporting evidence is limited at this time, the clinical significance of this alteration remains unclear.